The following is an entry in ClinVar:

NM_001355436.2(SPTB):c.467G>A (p.Arg156His)

Gene: SPTB (spectrin beta, erythrocytic; minus strand). Cytogenetic location: 14q23.3.
Variant type: single nucleotide variant.
Coding change: c.467G>A on transcript NM_001355436.2 (MANE Select); coding-DNA position 467, G replaced by A.
Protein change: p.Arg156His; replaces arginine 156 with histidine.
Molecular consequence: missense variant.
Genome position (GRCh38, 1-based): chr14:64,803,614, C>T on the plus strand (G>A on the coding strand, the complement: SPTB is on the minus strand). VCF-style: chr14-64803614-C-T. GRCh37 (hg19) VCF-style: chr14-65270332-C-T.
Other names: c.467G>A, p.Arg156His (NM_001024858.4, NM_001355437.2); short protein forms R156H.
Identifiers: ClinVar variation 3701480 (VCV003701480.2).

ClinVar aggregate classification (germline): Uncertain significance (1 of 4 stars; one submission).

gnomAD v4.1: 22 of 1,614,018 alleles (0.0014%); highest among the groups gnomAD compares: Non-Finnish European, 0.0015%; no homozygotes.

Submission:

Labcorp Genetics (formerly Invitae), Labcorp
Classification: Uncertain significance. Last evaluated: 2025-01-23. Review status: criteria provided, single submitter. Criteria: Invitae Variant Classification Sherloc (09022015). Collection method: clinical testing. Allele origin: germline.
Comment: This sequence change replaces arginine, which is basic and polar, with histidine, which is basic and polar, at codon 156 of the SPTB protein (p.Arg156His). This variant is present in population databases (rs767566180, gnomAD 0.004%). This variant has not been reported in the literature in individuals affected with SPTB-related conditions. An algorithm developed to predict the effect of missense changes on protein structure and function (PolyPhen-2) suggests that this variant is likely to be disruptive. In summary, the available evidence is currently insufficient to determine the role of this variant in disease. Therefore, it has been classified as a Variant of Uncertain Significance.